The following is an entry in ClinVar:

ClinVar aggregate classification (germline): Uncertain significance (1 of 4 stars; one submission).

Conditions:
DNMT3A-related disorder. Also called: DNMT3A-related disorders; DNMT3A-related condition.

Submission:

PreventionGenetics, part of Exact Sciences
Classification: Uncertain significance for DNMT3A-related condition. Last evaluated: 2023-09-21. Review status: criteria provided, single submitter. Criteria: ACMG Guidelines, 2015. Collection method: clinical testing. Allele origin: germline.
Comment: The DNMT3A c.2516C>T variant is predicted to result in the amino acid substitution p.Ser839Phe. To our knowledge, this variant has not been reported in the literature or in a large population database, indicating this variant is rare. At this time, the clinical significance of this variant is uncertain due to the absence of conclusive functional and genetic evidence.

NM_022552.5(DNMT3A):c.2516C>T (p.Ser839Phe)

Gene: DNMT3A (DNA methyltransferase 3 alpha; minus strand). Cytogenetic location: 2p23.3.
Variant type: single nucleotide variant.
Coding change: c.2516C>T on transcript NM_022552.5 (MANE Select); coding-DNA position 2516, C replaced by T.
Protein change: p.Ser839Phe; replaces serine 839 with phenylalanine.
Molecular consequence: missense variant. On other transcripts: non-coding transcript variant (1).
Genome position (GRCh38, 1-based): chr2:25,235,788, G>A on the plus strand (C>T on the coding strand, the complement: DNMT3A is on the minus strand). VCF-style: chr2-25235788-G-A. GRCh37 (hg19) VCF-style: chr2-25458657-G-A.
Other names: c.2060C>T, p.Ser687Phe (NM_001320893.1); c.1847C>T, p.Ser616Phe (NM_001375819.1); c.1949C>T, p.Ser650Phe (NM_153759.3); c.2516C>T, p.Ser839Phe (NM_175629.2); short protein forms S616F, S650F, S687F, S839F.
Identifiers: ClinVar variation 2630862 (VCV002630862.1), dbSNP rs2465329881, ClinGen allele CA346068785.
Genomic context (GRCh38, chr2:25,235,788, plus strand): 5'-AAGATGTCCTCTTTCTCATTCATGAAGACAGGAAAATGCTGGTCTTTGCCCTGCTTTATG[G>A]AGTTTGACCTCGTAGTAATGGTCCTCACTTTGCTGAACTAGATGAAGAGGAGAAAAGAGG-3'
Protein context (NP_072046.2, residues 829-849): KVRTITTRSN[Ser839Phe]IKQGKDQHFP